The following is an entry in ClinVar:

ClinVar aggregate classification (germline): Uncertain significance (1 of 4 stars; one submission).

Conditions:
Spastic paraplegia. Identifiers: MedGen C0037772, HP:0001258.

Allele frequency attached by ClinVar (database versions not stated): TOPMed 0.00001.

Submission:

Labcorp Genetics (formerly Invitae), Labcorp
Classification: Uncertain significance for Spastic paraplegia. Last evaluated: 2022-07-19. Review status: criteria provided, single submitter. Criteria: Invitae Variant Classification Sherloc (09022015). Collection method: clinical testing. Allele origin: germline.
Comment: This sequence change replaces glutamic acid, which is acidic and polar, with lysine, which is basic and polar, at codon 1878 of the ZFYVE26 protein (p.Glu1878Lys). This variant is not present in population databases (gnomAD no frequency). This variant has not been reported in the literature in individuals affected with ZFYVE26-related conditions. ClinVar contains an entry for this variant (Variation ID: 1359551). Algorithms developed to predict the effect of missense changes on protein structure and function (SIFT, PolyPhen-2, Align-GVGD) all suggest that this variant is likely to be tolerated. In summary, the available evidence is currently insufficient to determine the role of this variant in disease. Therefore, it has been classified as a Variant of Uncertain Significance.

NM_015346.4(ZFYVE26):c.5632G>A (p.Glu1878Lys)

Gene: ZFYVE26 (zinc finger FYVE-type containing 26; minus strand). Cytogenetic location: 14q24.1.
Variant type: single nucleotide variant.
Coding change: c.5632G>A on transcript NM_015346.4 (MANE Select); coding-DNA position 5632, G replaced by A.
Protein change: p.Glu1878Lys; replaces glutamic acid 1878 with lysine.
Molecular consequence: missense variant.
Genome position (GRCh38, 1-based): chr14:67,768,538, C>T on the plus strand (G>A on the coding strand, the complement: ZFYVE26 is on the minus strand). VCF-style: chr14-67768538-C-T. GRCh37 (hg19) VCF-style: chr14-68235255-C-T.
Other names: short protein forms E1878K.
Identifiers: ClinVar variation 1359551 (VCV001359551.3), dbSNP rs2039119637, ClinGen allele CA390166856.
Genomic context (GRCh38, chr14:67,768,538, plus strand): 5'-CACAAATGAAGAGTCACAGAGAACGGGATTTGGCCTTACCTTCTGGTTTTTCTGAAGGCT[C>T]CTCTGGTACACTGAAAACAGAGAAAGAAAAATTATTAAATAAATGCCTGAGTCACTTCTT-3'
Protein context (NP_056161.2, residues 1868-1888): YSYCNKDVPE[Glu1878Lys]PSEKPEALDS